The following is an entry in ClinVar:

ClinVar aggregate classification (germline): Conflicting classifications of pathogenicity. Review status: criteria provided, conflicting classifications (1 of 4 stars). 6 submissions from 6 submitters: Uncertain significance (1); Benign (2); Likely benign (2). 1 of the submissions does not count toward it. Last evaluated 2026-06-01.

Conditions:
LAMA5-related disorder. Also called: LAMA5-Related Disorders; LAMA5-related condition.
Inborn genetic diseases. Identifiers: MedGen C0950123, MeSH D030342.

Allele frequency attached by ClinVar (database versions not stated): gnomAD exomes 0.00097; gnomAD 0.00282 and 0.00293; TOPMed 0.00321; ExAC 0.00339; 1000 Genomes Project 30x 0.00375; 1000 Genomes Project 0.00419.
gnomAD v4.1: 736 of 1,260,346 alleles (0.058%); highest among the groups gnomAD compares: African/African-American, 1%; 4 homozygotes.

Submissions (6):

CeGaT Center for Human Genetics Tuebingen
Classification: Likely benign. Last evaluated: 2026-06-01. Review status: criteria provided, single submitter. Criteria: CeGaT Center For Human Genetics Tuebingen Variant Classification Criteria Version 2. Collection method: clinical testing. Allele origin: germline. Affected: yes. Observed: 2 variant alleles.
Comment: LAMA5: BS1

Labcorp Genetics (formerly Invitae), Labcorp
Classification: Benign. Last evaluated: 2026-01-28. Review status: criteria provided, single submitter. Criteria: Invitae Variant Classification Sherloc (09022015). Collection method: clinical testing. Allele origin: germline.

Ambry Genetics
Classification: Uncertain significance for Inborn genetic diseases. Last evaluated: 2025-08-03. Review status: criteria provided, single submitter. Criteria: Ambry Variant Classification Scheme 2023. Collection method: clinical testing. Allele origin: germline.

Blueprint Genetics
Classification: Likely benign. Last evaluated: 2024-10-02. Review status: criteria provided, single submitter. Criteria: ACMG Guidelines, 2015. Collection method: clinical testing. Allele origin: germline.

Breakthrough Genomics
Classification: Benign. Review status: criteria provided, single submitter. Criteria: ACMG Guidelines, 2015. Collection method: not provided. Allele origin: germline. Inheritance: Autosomal recessive inheritance. Affected: yes.

PreventionGenetics, part of Exact Sciences
Classification: Benign for LAMA5-related condition. Last evaluated: 2019-07-08. Review status: no assertion criteria provided. Collection method: clinical testing. Allele origin: germline. Not counted in ClinVar's aggregate classification.
Comment: This variant is classified as benign based on ACMG/AMP sequence variant interpretation guidelines (Richards et al. 2015 PMID: 25741868, with internal and published modifications).

NM_005560.6(LAMA5):c.166G>T (p.Ala56Ser)

Genes: LAMA5 (laminin subunit alpha 5; minus strand), LOC130066305 (ATAC-STARR-seq lymphoblastoid silent region 13109; plus strand). Cytogenetic location: 20q13.33.
Variant type: single nucleotide variant.
Coding change: c.166G>T on transcript NM_005560.6 (MANE Select); coding-DNA position 166, G replaced by T.
Protein change: p.Ala56Ser; replaces alanine 56 with serine.
Molecular consequence: missense variant.
Genome position (GRCh38, 1-based): chr20:62,367,080, C>A on the plus strand (G>T on the coding strand, the complement: LAMA5 is on the minus strand). VCF-style: chr20-62367080-C-A. GRCh37 (hg19) VCF-style: chr20-60942136-C-A.
Other names: c.166G>T (NM_005560.4, NM_005560.3); short protein forms A56S.
Identifiers: ClinVar variation 1605059 (VCV001605059.39), dbSNP rs557760409, ClinGen allele CA9944539.